The following is an entry in ClinVar:

NM_000051.4(ATM):c.1908C>G (p.His636Gln)

Gene: ATM (ATM serine/threonine kinase; plus strand). Cytogenetic location: 11q22.3.
Variant type: single nucleotide variant.
Coding change: c.1908C>G on transcript NM_000051.4 (MANE Select); coding-DNA position 1908, C replaced by G.
Protein change: p.His636Gln; replaces histidine 636 with glutamine.
Molecular consequence: missense variant.
Genome position (GRCh38, 1-based): chr11:108,253,823, C>G. VCF-style: chr11-108253823-C-G. GRCh37 (hg19) VCF-style: chr11-108124550-C-G.
Other names: c.1908C>G, p.His636Gln (NM_001351834.2); short protein forms H636Q.
Identifiers: ClinVar variation 3704420 (VCV003704420.2).
Genomic context (GRCh38, chr11:108,253,823, plus strand): 5'-GCAAAGCATTAGGTACTTGGTTTATATATTAAAGATCTTACTTTCTTGAAGTGAACACCA[C>G]CAAAAAGATAAAGAAGAACTTTCATTCTCAGAAGTAGAAGAACTATTTCTTCAGACAACT-3'
Protein context (NP_000042.3, residues 626-646): FFQSVPECEH[His636Gln]QKDKEELSFS

ClinVar aggregate classification (germline): Uncertain significance (1 of 4 stars; one submission).

Conditions:
Ataxia-telangiectasia syndrome (AT). Also called: Ataxia-telangiectasia, complementation group E; ATAXIA-TELANGIECTASIA, COMPLEMENTATION GROUP A; ATAXIA-TELANGIECTASIA, FRESNO VARIANT; Ataxia-telangiectasia, complementation group D; AT, COMPLEMENTATION GROUP C; Ataxia-telangiectasia. Identifiers: Orphanet 100, MedGen C0004135, MONDO:0008840, OMIM 208900.

Submission:

Labcorp Genetics (formerly Invitae), Labcorp
Classification: Uncertain significance for Ataxia-telangiectasia syndrome. Last evaluated: 2024-06-14. Review status: criteria provided, single submitter. Criteria: Invitae Variant Classification Sherloc (09022015). Collection method: clinical testing. Allele origin: germline.
Comment: This sequence change replaces histidine, which is basic and polar, with glutamine, which is neutral and polar, at codon 636 of the ATM protein (p.His636Gln). This variant is not present in population databases (gnomAD no frequency). This variant has not been reported in the literature in individuals affected with ATM-related conditions. Algorithms developed to predict the effect of missense changes on protein structure and function output the following: SIFT: "Not Available"; PolyPhen-2: "Benign"; Align-GVGD: "Not Available". The glutamine amino acid residue is found in multiple mammalian species, which suggests that this missense change does not adversely affect protein function. In summary, the available evidence is currently insufficient to determine the role of this variant in disease. Therefore, it has been classified as a Variant of Uncertain Significance.